The following is an entry in ClinVar:

NM_000334.4(SCN4A):c.2198T>A (p.Ile733Asn)

Genes: GH-LCR (growth hormone locus control region; plus strand), SCN4A (sodium voltage-gated channel alpha subunit 4; minus strand). Cytogenetic location: 17q23.3.
Variant type: single nucleotide variant.
Coding change: c.2198T>A on transcript NM_000334.4 (MANE Select); coding-DNA position 2198, T replaced by A.
Protein change: p.Ile733Asn; replaces isoleucine 733 with asparagine.
Molecular consequence: missense variant.
Genome position (GRCh38, 1-based): chr17:63,957,340, A>T on the plus strand (T>A on the coding strand, the complement: SCN4A is on the minus strand). VCF-style: chr17-63957340-A-T. GRCh37 (hg19) VCF-style: chr17-62034700-A-T.
Other names: short protein forms I733N.
Identifiers: ClinVar variation 4747002 (VCV004747002.1).

ClinVar aggregate classification (germline): Uncertain significance (1 of 4 stars; one submission).

Conditions:
Hyperkalemic periodic paralysis. Also called: Familial hyperkalemic periodic paralysis; Gamstorp disease. Identifiers: Orphanet 682, MedGen C0238357, MONDO:0008224, OMIM 170500, HP:0007215.

Submission:

Labcorp Genetics (formerly Invitae), Labcorp
Classification: Uncertain significance for Hyperkalemic periodic paralysis. Last evaluated: 2025-09-23. Review status: criteria provided, single submitter. Criteria: Invitae Variant Classification Sherloc (09022015). Collection method: clinical testing. Allele origin: germline.
Comment: This sequence change replaces isoleucine, which is neutral and non-polar, with asparagine, which is neutral and polar, at codon 733 of the SCN4A protein (p.Ile733Asn). This variant is not present in population databases (gnomAD no frequency). This variant has not been reported in the literature in individuals affected with SCN4A-related conditions. Invitae Evidence Modeling of protein sequence and biophysical properties (such as structural, functional, and spatial information, amino acid conservation, physicochemical variation, residue mobility, and thermodynamic stability) indicates that this missense variant is expected to disrupt SCN4A protein function with a positive predictive value of 95%. In summary, the available evidence is currently insufficient to determine the role of this variant in disease. Therefore, it has been classified as a Variant of Uncertain Significance.